The following is an entry in ClinVar:

ClinVar aggregate classification (germline): Likely benign. Review status: criteria provided, multiple submitters, no conflicts (2 of 4 stars). 13 submissions from 13 submitters: Likely benign (9). 4 of the submissions do not count toward it. Last evaluated 2025-10-27.

Conditions:
PRKAG2-related disorder. Also called: PRKAG2-related condition; PRKAG2-related disorders.
Cardiovascular phenotype. Identifiers: MedGen CN230736.
Hypertrophic cardiomyopathy. Also called: HYPERTROPHIC MYOCARDIOPATHY. Identifiers: Orphanet 217569, MedGen C0007194, MeSH D002312, MONDO:0005045, HP:0001639.
Hypertrophic cardiomyopathy 6. Identifiers: MedGen C1833236, MONDO:0010946, OMIM 600858.
Wolff-Parkinson-White pattern. Also called: WPW SYNDROME; Auriculoventricular accessory pathway syndrome; False bundle branch block syndrome; Anomalous ventricular excitation syndrome. Identifiers: MedGen C0043202, MONDO:0008685, OMIM 194200, HP:0001716.
Lethal congenital glycogen storage disease of heart. Also called: GLYCOGEN STORAGE DISEASE OF HEART; PHOSPHORYLASE KINASE DEFICIENCY OF HEART. Identifiers: Orphanet 439854, MedGen C1849813, MONDO:0009867, OMIM 261740.
Cardiomyopathy (CMYO). Also called: Cardiomyopathies. Identifiers: Orphanet 167848, MedGen C0878544, MONDO:0004994, HP:0001638. Inheritance: Various modes of inheritance.

Allele frequency attached by ClinVar (database versions not stated): TOPMed 0.00004; gnomAD exomes 0.00005; ExAC 0.00006.
gnomAD v4.1: 65 of 1,612,884 alleles (0.004%); highest among the groups gnomAD compares: South Asian, 0.0099%; 1 homozygote.

Submissions (13):

Labcorp Genetics (formerly Invitae), Labcorp
Classification: Likely benign for Lethal congenital glycogen storage disease of heart. Last evaluated: 2025-10-27. Review status: criteria provided, single submitter. Criteria: Invitae Variant Classification Sherloc (09022015). Collection method: clinical testing. Allele origin: germline.

Blueprint Genetics
Classification: Likely benign. Last evaluated: 2024-11-13. Review status: criteria provided, single submitter. Criteria: ACMG Guidelines, 2015. Collection method: clinical testing. Allele origin: germline.

All of Us Research Program, National Institutes of Health
Classification: Likely benign for Hypertrophic cardiomyopathy. Last evaluated: 2023-11-28. Review status: criteria provided, single submitter. Criteria: ACMG Guidelines, 2015. Collection method: clinical testing. Allele origin: germline. Inheritance: Autosomal dominant inheritance. Observed: 7 variant alleles, 7 heterozygotes.
Comment: This study involves interpretation of variants in research participants for the purpose of population health screening. Participant phenotype was not available at the time of variant classification. Additional details can be found in publication PMID: 35346344, PMCID: PMC8962531

CHEO Genetics Diagnostic Laboratory, Children's Hospital of Eastern Ontario
Classification: Likely benign for Cardiomyopathy. Last evaluated: 2023-04-03. Review status: criteria provided, single submitter. Criteria: ACMG Guidelines, 2015. Collection method: clinical testing. Allele origin: germline.

CeGaT Center for Human Genetics Tuebingen
Classification: Likely benign. Last evaluated: 2022-04-01. Review status: criteria provided, single submitter. Criteria: CeGaT Center For Human Genetics Tuebingen Variant Classification Criteria Version 2. Collection method: clinical testing. Allele origin: germline. Affected: yes. Observed: 1 variant allele.
Comment: PRKAG2: BP4, BP7

Fulgent Genetics
Classification: Likely benign for Wolff-Parkinson-White pattern; Lethal congenital glycogen storage disease of heart; Hypertrophic cardiomyopathy 6. Last evaluated: 2021-08-25. Review status: criteria provided, single submitter. Criteria: ACMG Guidelines, 2015. Collection method: clinical testing. Allele origin: unknown.

GeneDx
Classification: Likely benign. Last evaluated: 2019-11-25. Review status: criteria provided, single submitter. Criteria: GeneDx Variant Classification Process June 2021. Collection method: clinical testing. Allele origin: germline. Affected: yes.

Ambry Genetics
Classification: Likely benign for Cardiovascular phenotype. Last evaluated: 2019-05-17. Review status: criteria provided, single submitter. Criteria: Ambry Variant Classification Scheme 2023. Collection method: clinical testing. Allele origin: germline.

Color Diagnostics, LLC DBA Color Health
Classification: Likely benign for Cardiomyopathy. Last evaluated: 2019-01-11. Review status: criteria provided, single submitter. Criteria: ACMG Guidelines, 2015. Collection method: clinical testing. Allele origin: germline.

PreventionGenetics, part of Exact Sciences
Classification: Likely benign for PRKAG2-related condition. Last evaluated: 2020-09-22. Review status: no assertion criteria provided. Collection method: clinical testing. Allele origin: germline. Not counted in ClinVar's aggregate classification.
Comment: This variant is classified as likely benign based on ACMG/AMP sequence variant interpretation guidelines (Richards et al. 2015 PMID: 25741868, with internal and published modifications).

Clinical Genetics DNA and cytogenetics Diagnostics Lab, Erasmus MC, Erasmus Medical Center
Classification: Likely benign. Review status: no assertion criteria provided. Collection method: clinical testing. Allele origin: germline. Affected: yes. Study: VKGL Data-share Consensus. Not counted in ClinVar's aggregate classification.

Clinical Genetics, Academic Medical Center
Classification: Benign. Review status: no assertion criteria provided. Collection method: clinical testing. Allele origin: germline. Affected: yes. Study: VKGL Data-share Consensus. Not counted in ClinVar's aggregate classification.

Genome Diagnostics Laboratory, University Medical Center Utrecht
Classification: Likely benign. Review status: no assertion criteria provided. Collection method: clinical testing. Allele origin: germline. Affected: yes. Study: VKGL Data-share Consensus. Not counted in ClinVar's aggregate classification.

NM_016203.4(PRKAG2):c.147C>T (p.Asp49=)

Gene: PRKAG2 (protein kinase AMP-activated non-catalytic subunit gamma 2; minus strand). Cytogenetic location: 7q36.1.
Variant type: single nucleotide variant.
Coding change: c.147C>T on transcript NM_016203.4 (MANE Select); coding-DNA position 147, C replaced by T.
Protein change: p.Asp49=; no amino-acid change (aspartic acid 49 retained).
Molecular consequence: synonymous variant.
Genome position (GRCh38, 1-based): chr7:151,786,509, G>A on the plus strand (C>T on the coding strand, the complement: PRKAG2 is on the minus strand). VCF-style: chr7-151786509-G-A. GRCh37 (hg19) VCF-style: chr7-151483595-G-A.
Other names: c.15C>T, p.Asp5= (NM_001040633.2).
Identifiers: ClinVar variation 696154 (VCV000696154.58), dbSNP rs761196275, ClinGen allele CA055234.